The following is an entry in ClinVar:

ClinVar aggregate classification (germline): Uncertain significance. Review status: criteria provided, multiple submitters, no conflicts (2 of 4 stars). 2 submissions from 2 submitters: Uncertain significance (2). Last evaluated 2025-12-31.

Conditions:
Inborn genetic diseases. Identifiers: MedGen C0950123, MeSH D030342.
Short-rib thoracic dysplasia 6 with or without polydactyly (SRTD6). Also called: SHORT RIB-POLYDACTYLY SYNDROME, TYPE IIA; POLYDACTYLY WITH NEONATAL CHONDRODYSTROPHY, TYPE II; SHORT-RIB THORACIC DYSPLASIA 6 WITHOUT POLYDACTYLY; Majewski Syndrome; SHORT-RIB THORACIC DYSPLASIA 6 WITH POLYDACTYLY. Identifiers: MedGen C0024507, MONDO:0009894, OMIM 263520.

gnomAD v4.1: 4 of 1,586,898 alleles (0.00025%); highest among the groups gnomAD compares: Non-Finnish European, 0.00034%; no homozygotes.

Submissions (2):

Labcorp Genetics (formerly Invitae), Labcorp
Classification: Uncertain significance for Short-rib thoracic dysplasia 6 with or without polydactyly. Last evaluated: 2025-12-31. Review status: criteria provided, single submitter. Criteria: Invitae Variant Classification Sherloc (09022015). Collection method: clinical testing. Allele origin: germline.
Comment: This sequence change replaces glutamic acid, which is acidic and polar, with lysine, which is basic and polar, at codon 582 of the NEK1 protein (p.Glu582Lys). The frequency data for this variant in the population databases is considered unreliable, as metrics indicate poor data quality at this position in the gnomAD database. This variant has not been reported in the literature in individuals affected with NEK1-related conditions. ClinVar contains an entry for this variant (Variation ID: 3878715). Invitae Evidence Modeling of protein sequence and biophysical properties (such as structural, functional, and spatial information, amino acid conservation, physicochemical variation, residue mobility, and thermodynamic stability) has been performed for this missense variant. However, the output from this modeling did not meet the statistical confidence thresholds required to predict the impact of this variant on NEK1 protein function. In summary, the available evidence is currently insufficient to determine the role of this variant in disease. Therefore, it has been classified as a Variant of Uncertain Significance.

Ambry Genetics
Classification: Uncertain significance for Inborn genetic diseases. Last evaluated: 2025-03-07. Review status: criteria provided, single submitter. Criteria: Ambry Variant Classification Scheme 2023. Collection method: clinical testing. Allele origin: germline.

NM_001199397.3(NEK1):c.1828G>A (p.Glu610Lys)

Gene: NEK1 (NIMA related kinase 1; minus strand). Cytogenetic location: 4q33.
Variant type: single nucleotide variant.
Coding change: c.1828G>A on transcript NM_001199397.3 (MANE Select); coding-DNA position 1828, G replaced by A.
Protein change: p.Glu610Lys; replaces glutamic acid 610 with lysine.
Molecular consequence: missense variant. On other transcripts: non-coding transcript variant (1).
Genome position (GRCh38, 1-based): chr4:169,508,253, C>T on the plus strand (G>A on the coding strand, the complement: NEK1 is on the minus strand). VCF-style: chr4-169508253-C-T. GRCh37 (hg19) VCF-style: chr4-170429404-C-T.
Other names: c.1696G>A, p.Glu566Lys (NM_001199398.3); c.1537G>A, p.Glu513Lys (NM_001199399.3); c.1612G>A, p.Glu538Lys (NM_001199400.3); c.1828G>A, p.Glu610Lys (NM_001374418.1); c.1744G>A, p.Glu582Lys (NM_001374419.1, NM_012224.4); c.1693G>A, p.Glu565Lys (NM_001374420.1); c.1618G>A, p.Glu540Lys (NM_001374421.1); short protein forms E566K, E582K, E610K, E538K, E513K, E540K, E565K.
Identifiers: ClinVar variation 3878715 (VCV003878715.2).